The following is an entry in ClinVar:

NM_001349206.2(LPIN1):c.1363_1364dup (p.Asp455fs)

Genes: LPIN1 (lipin 1; plus strand), LOC122756382 (Sharpr-MPRA regulatory region 7856; plus strand). Cytogenetic location: 2p25.1.
Variant type: Microsatellite.
Coding change: c.1363_1364dup on transcript NM_001349206.2 (MANE Select); coding-DNA positions 1363 to 1364, 2 bases duplicated (GA; older notation c.1363_1364dupGA).
Protein change: p.Asp455fs; shifts the reading frame from aspartic acid 455.
Molecular consequence: frameshift variant. On other transcripts: non-coding transcript variant (1).
Genome position (GRCh38, 1-based): chr2:11,784,890-11,784,891, GA duplicated; duplicating any 2 consecutive bases within chr2:11,784,888-11,784,891 gives the same sequence; the c. name uses the placement nearest the transcript's 3' end. VCF-style (leftmost placement, unchanged base first): chr2-11784887-G-GGA. GRCh37 (hg19) VCF-style: chr2-11925013-G-GGA.
Other names: c.1273_1274dup, p.Asp425fs (NM_001261427.3); c.1510_1511dup, p.Asp504fs (NM_001261428.3); c.1255_1256dup, p.Asp419fs (NM_001349199.2, NM_001349200.2, NM_001349201.2 and 1 more transcripts); c.1360_1361dup, p.Asp454fs (NM_001349202.2, NM_001349203.2); c.1363_1364dup, p.Asp455fs (NM_001349204.2, NM_001349205.2); c.1453_1454dup, p.Asp485fs (NM_001349207.2); c.1402_1403dup, p.Asp468fs (NM_001349208.2); c.1255_1256dupGA (NM_145693.2); short protein forms D455fs, D468fs, D485fs, D419fs, D504fs, D425fs, D454fs.
Identifiers: ClinVar variation 280315 (VCV000280315.5), dbSNP rs886041544, ClinGen allele CA10602796.

ClinVar aggregate classification (germline): Pathogenic. Review status: criteria provided, multiple submitters, no conflicts (2 of 4 stars). 3 submissions from 3 submitters: Pathogenic (3). Last evaluated 2024-02-15.

Conditions:
Myoglobinuria, acute recurrent, autosomal recessive. Also called: MYOGLOBINURIA, FAMILIAL PAROXYSMAL PARALYTIC; RHABDOMYOLYSIS, ACUTE RECURRENT; Myoglobinuria, recurrent, autosomal recessive. Identifiers: Orphanet 99845, MedGen C1849386, MONDO:0009992, OMIM 268200.

Submissions (3):

Labcorp Genetics (formerly Invitae), Labcorp
Classification: Pathogenic. Last evaluated: 2024-02-15. Review status: criteria provided, single submitter. Criteria: Invitae Variant Classification Sherloc (09022015). Collection method: clinical testing. Allele origin: germline.
Comment: This sequence change creates a premature translational stop signal (p.Asp419Glufs*41) in the LPIN1 gene. It is expected to result in an absent or disrupted protein product. Loss-of-function variants in LPIN1 are known to be pathogenic (PMID: 18817903, 20583302, 22481384, 26111941). This variant is present in population databases (no rsID available, gnomAD 0.0009%). This premature translational stop signal has been observed in individual(s) with rhabdomyolysis (PMID: 26111941). ClinVar contains an entry for this variant (Variation ID: 280315). For these reasons, this variant has been classified as Pathogenic.

Institute of Human Genetics, Clinical Exome/Genome Diagnostics Group, University Hospital Bonn
Classification: Pathogenic for Myoglobinuria, acute recurrent, autosomal recessive. Last evaluated: 2023-12-18. Review status: criteria provided, single submitter. Criteria: ACMG Guidelines, 2015. Collection method: clinical testing. Allele origin: paternal. Affected: yes.

GeneDx
Classification: Pathogenic. Last evaluated: 2019-09-20. Review status: criteria provided, single submitter. Criteria: GeneDx Variant Classification Process June 2021. Collection method: clinical testing. Allele origin: germline. Affected: yes.
Comment: Frameshift variant predicted to result in protein truncation or nonsense mediated decay in a gene for which loss-of-function is a known mechanism of disease; Not observed at a significant frequency in large population cohorts (Lek et al., 2016); This variant is associated with the following publications: (PMID: 26111941)

Literature cited by the submitters: PubMed 18817903 (cited by Labcorp Genetics (formerly Invitae), Labcorp); PubMed 20583302 (cited by Labcorp Genetics (formerly Invitae), Labcorp); PubMed 22481384 (cited by Labcorp Genetics (formerly Invitae), Labcorp); PubMed 26111941 (cited by Labcorp Genetics (formerly Invitae), Labcorp).